The following is an entry in ClinVar:

NM_001151.4(SLC25A4):c.142G>C (p.Glu48Gln)

Gene: SLC25A4 (solute carrier family 25 member 4; plus strand). Cytogenetic location: 4q35.1.
Variant type: single nucleotide variant.
Coding change: c.142G>C on transcript NM_001151.4 (MANE Select); coding-DNA position 142, G replaced by C.
Protein change: p.Glu48Gln; replaces glutamic acid 48 with glutamine.
Molecular consequence: missense variant.
Genome position (GRCh38, 1-based): chr4:185,144,794, G>C. VCF-style: chr4-185144794-G-C. GRCh37 (hg19) VCF-style: chr4-186065948-G-C.
Other names: short protein forms E48Q.
Identifiers: ClinVar variation 1308558 (VCV001308558.6), dbSNP rs201501984, ClinGen allele CA3156431.
Genomic context (GRCh38, chr4:185,144,794, plus strand): 5'-TCCTCTGTCACCCACCCTCCCCTCCACCAGGTCCAGCATGCCAGCAAACAGATCAGTGCT[G>C]AGAAGCAGTACAAAGGGATCATTGATTGTGTGGTGAGAATCCCTAAGGAGCAGGGCTTCC-3'
Protein context (NP_001142.2, residues 38-58): VQHASKQISA[Glu48Gln]KQYKGIIDCV

ClinVar aggregate classification (germline): Uncertain significance. Review status: criteria provided, multiple submitters, no conflicts (2 of 4 stars). 2 submissions from 2 submitters: Uncertain significance (2). Last evaluated 2025-10-02.

Allele frequency attached by ClinVar (database versions not stated): ExAC 0.00001; gnomAD 0.00001; gnomAD exomes 0.00001; 1000 Genomes Project 30x 0.00016; 1000 Genomes Project 0.00020.
gnomAD v4.1: 20 of 1,613,958 alleles (0.0012%); highest among the groups gnomAD compares: Non-Finnish European, 0.0017%; no homozygotes.

Submissions (2):

Labcorp Genetics (formerly Invitae), Labcorp
Classification: Uncertain significance. Last evaluated: 2025-10-02. Review status: criteria provided, single submitter. Criteria: Invitae Variant Classification Sherloc (09022015). Collection method: clinical testing. Allele origin: germline.
Comment: This sequence change replaces glutamic acid, which is acidic and polar, with glutamine, which is neutral and polar, at codon 48 of the SLC25A4 protein (p.Glu48Gln). This variant is present in population databases (rs201501984, gnomAD 0.0009%). This variant has not been reported in the literature in individuals affected with SLC25A4-related conditions. ClinVar contains an entry for this variant (Variation ID: 1308558). An algorithm developed to predict the effect of missense changes on protein structure and function (PolyPhen-2) suggests that this variant is likely to be tolerated. In summary, the available evidence is currently insufficient to determine the role of this variant in disease. Therefore, it has been classified as a Variant of Uncertain Significance.

GeneDx
Classification: Uncertain significance. Last evaluated: 2019-04-16. Review status: criteria provided, single submitter. Criteria: GeneDx Variant Classification Process June 2021. Collection method: clinical testing. Allele origin: germline. Affected: yes.
Comment: Not observed at a significant frequency in large population cohorts (Lek et al., 2016); In silico analysis, which includes protein predictors and evolutionary conservation, supports that this variant does not alter protein structure/function; Has not been previously published as pathogenic or benign to our knowledge